The following is an entry in ClinVar:

NM_004836.7(EIF2AK3):c.3193C>T (p.Arg1065Ter)

Genes: EIF2AK3 (eukaryotic translation initiation factor 2 alpha kinase 3; minus strand), EIF2AK3-AS1 (EIF2AK3 antisense RNA 1; plus strand). Cytogenetic location: 2p11.2.
Variant type: single nucleotide variant.
Coding change: c.3193C>T on transcript NM_004836.7 (MANE Select); coding-DNA position 3193, C replaced by T.
Protein change: p.Arg1065Ter; replaces arginine 1065 with a stop codon.
Molecular consequence: nonsense.
Genome position (GRCh38, 1-based): chr2:88,557,894, G>A on the plus strand (C>T on the coding strand, the complement: EIF2AK3 is on the minus strand). VCF-style: chr2-88557894-G-A. GRCh37 (hg19) VCF-style: chr2-88857412-G-A.
Other names: c.3193C>T (NM_004836.5); c.2740C>T, p.Arg914Ter (NM_001313915.2); short protein forms R1065*, R914*.
Identifiers: ClinVar variation 2734241 (VCV002734241.4), dbSNP rs866814797, ClinGen allele CA51470182.
Genomic context (GRCh38, chr2:88,557,894, plus strand): 5'-TTCCTGGAAAGTCCAAGTCCTCAAATACAGCATTTTCAATGATGTTTATAGCTTCAGGTC[G>A]TTCCATGGGGGATGGAGAGAGCATGTCTTGAACCATCACGTACTGAAAATATAAAAATTG-3'

ClinVar aggregate classification (germline): Pathogenic. Review status: criteria provided, multiple submitters, no conflicts (2 of 4 stars). 2 submissions from 2 submitters: Pathogenic (2). Last evaluated 2024-12-24.

Allele frequency attached by ClinVar (database versions not stated): gnomAD 0.00001; gnomAD exomes 0.00001; TOPMed 0.00001.
gnomAD v4.1: 12 of 1,613,972 alleles (0.00074%); highest among the groups gnomAD compares: South Asian, 0.0022%; no homozygotes.

Submissions (2):

Labcorp Genetics (formerly Invitae), Labcorp
Classification: Pathogenic. Last evaluated: 2024-12-24. Review status: criteria provided, single submitter. Criteria: Invitae Variant Classification Sherloc (09022015). Collection method: clinical testing. Allele origin: germline.
Comment: This sequence change creates a premature translational stop signal (p.Arg1065*) in the EIF2AK3 gene. While this is not anticipated to result in nonsense mediated decay, it is expected to disrupt the last 52 amino acid(s) of the EIF2AK3 protein. This variant is present in population databases (no rsID available, gnomAD 0.003%). This premature translational stop signal has been observed in individuals with Wolcott-Rallison syndrome (PMID: 19837917, 24168455, 24710710, 33452782). It has also been observed to segregate with disease in related individuals. This variant is also known as c.3190C>T, R1064X. ClinVar contains an entry for this variant (Variation ID: 2734241). Algorithms developed to predict the effect of sequence changes on RNA splicing suggest that this variant may disrupt the consensus splice site. For these reasons, this variant has been classified as Pathogenic.

GeneDx
Classification: Pathogenic. Last evaluated: 2024-05-21. Review status: criteria provided, single submitter. Criteria: GeneDx Variant Classification Process June 2021. Collection method: clinical testing. Allele origin: germline. Affected: yes.
Comment: Nonsense variant predicted to result in protein truncation as the last 52 amino acids are lost, although loss-of-function variants have not been reported downstream of this position in the protein; Not observed at significant frequency in large population cohorts (gnomAD); This variant is associated with the following publications: (PMID: 34463036, Shantala2023[casereport], 33409956, 19837917, 24710710, 24168455, 33452782, 22831748)

Literature cited by the submitters: PubMed 19837917 (cited by Labcorp Genetics (formerly Invitae), Labcorp); PubMed 24168455 (cited by Labcorp Genetics (formerly Invitae), Labcorp); PubMed 24710710 (cited by Labcorp Genetics (formerly Invitae), Labcorp); PubMed 33452782 (cited by Labcorp Genetics (formerly Invitae), Labcorp).